The following is an entry in ClinVar:

NM_002381.5(MATN3):c.626G>C (p.Arg209Pro)

Gene: MATN3 (matrilin 3; minus strand). Cytogenetic location: 2p24.1.
Variant type: single nucleotide variant.
Coding change: c.626G>C on transcript NM_002381.5 (MANE Select); coding-DNA position 626, G replaced by C.
Protein change: p.Arg209Pro; replaces arginine 209 with proline.
Molecular consequence: missense variant.
Genome position (GRCh38, 1-based): chr2:20,005,908, C>G on the plus strand (G>C on the coding strand, the complement: MATN3 is on the minus strand). VCF-style: chr2-20005908-C-G. GRCh37 (hg19) VCF-style: chr2-20205669-C-G.
Other names: short protein forms R209P.
Identifiers: ClinVar variation 1011244 (VCV001011244.10), dbSNP rs749845872, ClinGen allele CA1543937.

ClinVar aggregate classification (germline): Uncertain significance. Review status: criteria provided, single submitter (1 of 4 stars). 2 submissions from 2 submitters: Uncertain significance (1). 1 of the submissions does not count toward it. Last evaluated 2020-03-23.

Conditions:
Multiple epiphyseal dysplasia. Also called: Multiple epiphyseal dysplasia (disease). Identifiers: Orphanet 251, MedGen C0026760, MONDO:0016648, HP:0002654.

Submissions (2):

Labcorp Genetics (formerly Invitae), Labcorp
Classification: Uncertain significance. Last evaluated: 2020-03-23. Review status: criteria provided, single submitter. Criteria: Invitae Variant Classification Sherloc (09022015). Collection method: clinical testing. Allele origin: germline.
Comment: In summary, the available evidence is currently insufficient to determine the role of this variant in disease. Therefore, it has been classified as a Variant of Uncertain Significance. Algorithms developed to predict the effect of missense changes on protein structure and function are either unavailable or do not agree on the potential impact of this missense change (SIFT: "Tolerated"; PolyPhen-2: "Probably Damaging"; Align-GVGD: "Class C0"). This variant has been observed in individual(s) with clinical features of multiple epiphyseal dysplasia (PMID: 21965141, 21922596, Invitae). The frequency data for this variant in the population databases is considered unreliable, as metrics indicate poor data quality at this position in the ExAC database. This sequence change replaces arginine with proline at codon 209 of the MATN3 protein (p.Arg209Pro). The arginine residue is moderately conserved and there is a moderate physicochemical difference between arginine and proline.

GeneReviews
No classification provided. Condition: Multiple epiphyseal dysplasia. Review status: no classification provided. Collection method: literature only. Allele origin: germline. Not counted in ClinVar's aggregate classification.

Literature cited by the submitters: PubMed 21965141 (cited by Labcorp Genetics (formerly Invitae), Labcorp); PubMed 21922596 (cited by Labcorp Genetics (formerly Invitae), Labcorp); NCBI Bookshelf NBK1123 (cited by GeneReviews).